The following is an entry in ClinVar:

ClinVar aggregate classification (germline): Uncertain significance. Review status: criteria provided, multiple submitters, no conflicts (2 of 4 stars). 2 submissions from 2 submitters: Uncertain significance (2). Last evaluated 2026-08-31.

Conditions:
Familial thoracic aortic aneurysm and aortic dissection (TAAD). Also called: Thoracic aortic aneurysms and dissections. Identifiers: Orphanet 91387, MedGen C4707243, MONDO:0019625.
Loeys-Dietz syndrome 4 (LDS4). Also called: TGFB2-Related Loeys-Dietz Syndrome; ANEURYSM, AORTIC AND CEREBRAL, WITH ARTERIAL TORTUOSITY AND SKELETAL MANIFESTATIONS. Identifiers: MedGen C3553762, MONDO:0013897, OMIM 614816.

Allele frequency attached by ClinVar (database versions not stated): TOPMed below 0.00001.

Submissions (2):

Ambry Genetics
Classification: Uncertain significance for Familial thoracic aortic aneurysm and aortic dissection. Last evaluated: 2026-08-31. Review status: criteria provided, single submitter. Criteria: Ambry Variant Classification Scheme 2023. Collection method: clinical testing. Allele origin: germline.
Comment: The p.S46N variant (also known as c.137G>A), located in coding exon 1 of the TGFB2 gene, results from a G to A substitution at nucleotide position 137. The serine at codon 46 is replaced by asparagine, an amino acid with highly similar properties. This amino acid position is conserved. In addition, the in silico prediction for this alteration is inconclusive. Based on the available evidence, the clinical significance of this variant remains unclear.

Labcorp Genetics (formerly Invitae), Labcorp
Classification: Uncertain significance for Loeys-Dietz syndrome 4. Last evaluated: 2022-10-20. Review status: criteria provided, single submitter. Criteria: Invitae Variant Classification Sherloc (09022015). Collection method: clinical testing. Allele origin: germline.
Comment: This sequence change replaces serine, which is neutral and polar, with asparagine, which is neutral and polar, at codon 46 of the TGFB2 protein (p.Ser46Asn). This variant is not present in population databases (gnomAD no frequency). This variant has not been reported in the literature in individuals affected with TGFB2-related conditions. ClinVar contains an entry for this variant (Variation ID: 1375249). Advanced modeling of protein sequence and biophysical properties (such as structural, functional, and spatial information, amino acid conservation, physicochemical variation, residue mobility, and thermodynamic stability) performed at Invitae indicates that this missense variant is not expected to disrupt TGFB2 protein function. In summary, the available evidence is currently insufficient to determine the role of this variant in disease. Therefore, it has been classified as a Variant of Uncertain Significance.

NM_003238.6(TGFB2):c.137G>A (p.Ser46Asn)

Gene: TGFB2 (transforming growth factor beta 2; plus strand). Cytogenetic location: 1q41.
Variant type: single nucleotide variant.
Coding change: c.137G>A on transcript NM_003238.6 (MANE Select); coding-DNA position 137, G replaced by A.
Protein change: p.Ser46Asn; replaces serine 46 with asparagine.
Molecular consequence: missense variant. On other transcripts: non-coding transcript variant (2).
Genome position (GRCh38, 1-based): chr1:218,346,838, G>A. VCF-style: chr1-218346838-G-A. GRCh37 (hg19) VCF-style: chr1-218520180-G-A.
Other names: c.137G>A, p.Ser46Asn (NM_001135599.4); c.137G>A (NM_003238.3); short protein forms S46N.
Identifiers: ClinVar variation 1375249 (VCV001375249.7), dbSNP rs1318854254, ClinGen allele CA344725369.